The following is an entry in ClinVar:

ClinVar aggregate classification (germline): Pathogenic/Likely pathogenic. Review status: criteria provided, multiple submitters, no conflicts (2 of 4 stars). 2 submissions from 2 submitters: Pathogenic (1); Likely pathogenic (1). Last evaluated 2024-04-17.

Conditions:
Epidermolysis bullosa, junctional 3A, intermediate. Also called: EPIDERMOLYSIS BULLOSA, JUNCTIONAL 3A, GENERALIZED INTERMEDIATE; EPIDERMOLYSIS BULLOSA, JUNCTIONAL 3A, NON-HERLITZ TYPE. Identifiers: MedGen C5676938, MONDO:0030748, OMIM 619785.
Epidermolysis bullosa, junctional 3B, severe. Also called: EPIDERMOLYSIS BULLOSA, JUNCTIONAL 3B, GENERALIZED SEVERE; EPIDERMOLYSIS BULLOSA, JUNCTIONAL 3B, HERLITZ TYPE. Identifiers: MedGen C5676939, MONDO:0030749, OMIM 619786.

Allele frequency attached by ClinVar (database versions not stated): gnomAD exomes below 0.00001.
gnomAD v4.1: 1 of 1,614,052 alleles (0.000062%); highest among the groups gnomAD compares: South Asian, 0.0011%; no homozygotes.

Submissions (2):

Fulgent Genetics
Classification: Likely pathogenic for Epidermolysis bullosa, junctional 3A, intermediate; Epidermolysis bullosa, junctional 3B, severe. Last evaluated: 2024-04-17. Review status: criteria provided, single submitter. Criteria: ACMG Guidelines, 2015. Collection method: clinical testing. Allele origin: germline.

Labcorp Genetics (formerly Invitae), Labcorp
Classification: Pathogenic. Last evaluated: 2023-06-07. Review status: criteria provided, single submitter. Criteria: Invitae Variant Classification Sherloc (09022015). Collection method: clinical testing. Allele origin: germline.
Comment: For these reasons, this variant has been classified as Pathogenic. Algorithms developed to predict the effect of sequence changes on RNA splicing suggest that this variant may disrupt the consensus splice site. This variant has not been reported in the literature in individuals affected with LAMC2-related conditions. This variant is not present in population databases (gnomAD no frequency). This sequence change creates a premature translational stop signal (p.Gly642*) in the LAMC2 gene. It is expected to result in an absent or disrupted protein product. Loss-of-function variants in LAMC2 are known to be pathogenic (PMID: 11907499, 16473856).

Literature cited by the submitters: PubMed 11907499 (cited by Labcorp Genetics (formerly Invitae), Labcorp); PubMed 16473856 (cited by Labcorp Genetics (formerly Invitae), Labcorp).

NM_005562.3(LAMC2):c.1924G>T (p.Gly642Ter)

Gene: LAMC2 (laminin subunit gamma 2; plus strand). Cytogenetic location: 1q25.3.
Variant type: single nucleotide variant.
Coding change: c.1924G>T on transcript NM_005562.3 (MANE Select); coding-DNA position 1924, G replaced by T.
Protein change: p.Gly642Ter; replaces glycine 642 with a stop codon.
Molecular consequence: nonsense.
Genome position (GRCh38, 1-based): chr1:183,232,253, G>T. VCF-style: chr1-183232253-G-T. GRCh37 (hg19) VCF-style: chr1-183201388-G-T.
Other names: c.1924G>T, p.Gly642Ter (NM_018891.3); short protein forms G642*.
Identifiers: ClinVar variation 2697774 (VCV002697774.4), dbSNP rs2526088692, ClinGen allele CA343691612.